The following is an entry in ClinVar:

NM_015915.5(ATL1):c.893A>G (p.Lys298Arg)

Gene: ATL1 (atlastin GTPase 1; plus strand). Cytogenetic location: 14q22.1.
Variant type: single nucleotide variant.
Coding change: c.893A>G on transcript NM_015915.5 (MANE Select); coding-DNA position 893, A replaced by G.
Protein change: p.Lys298Arg; replaces lysine 298 with arginine.
Molecular consequence: missense variant.
Genome position (GRCh38, 1-based): chr14:50,620,629, A>G. VCF-style: chr14-50620629-A-G. GRCh37 (hg19) VCF-style: chr14-51087347-A-G.
Other names: c.893A>G, p.Lys298Arg (NM_001127713.1, NM_181598.4); short protein forms K298R.
Identifiers: ClinVar variation 4537814 (VCV004537814.1).

ClinVar aggregate classification (germline): Uncertain significance (1 of 4 stars; one submission).

gnomAD v4.1: 4 of 1,613,528 alleles (0.00025%); highest among the groups gnomAD compares: Non-Finnish European, 0.00034%; no homozygotes.

Submission:

GeneDx
Classification: Uncertain significance. Last evaluated: 2025-06-15. Review status: criteria provided, single submitter. Criteria: GeneDx Variant Classification Process June 2021. Collection method: clinical testing. Allele origin: germline. Affected: yes.
Comment: Not observed at significant frequency in large population cohorts (gnomAD); In silico analysis suggests that this missense variant does not alter protein structure/function; Has not been previously published as pathogenic or benign to our knowledge; This variant is associated with the following publications: (PMID: 23334294)